The following is an entry in ClinVar:

NM_001367721.1(CASK):c.6C>G (p.Ala2=)

Gene: CASK (calcium/calmodulin dependent serine protein kinase; minus strand). Cytogenetic location: Xp11.4.
Variant type: single nucleotide variant.
Coding change: c.6C>G on transcript NM_001367721.1 (MANE Select); coding-DNA position 6, C replaced by G.
Protein change: p.Ala2=; no amino-acid change (alanine 2 retained).
Molecular consequence: synonymous variant.
Genome position (GRCh38, 1-based): chrX:41,922,983, G>C on the plus strand (C>G on the coding strand, the complement: CASK is on the minus strand). VCF-style: chrX-41922983-G-C. GRCh37 (hg19) VCF-style: chrX-41782236-G-C.
Other names: c.6C>G, p.Ala2= (NM_001126054.3, NM_001126055.3, NM_001410745.1 and 1 more transcripts).
Identifiers: ClinVar variation 4084907 (VCV004084907.8).

ClinVar aggregate classification (germline): Likely benign (1 of 4 stars; one submission).

Submission:

CeGaT Center for Human Genetics Tuebingen
Classification: Likely benign. Last evaluated: 2025-07-01. Review status: criteria provided, single submitter. Criteria: CeGaT Center For Human Genetics Tuebingen Variant Classification Criteria Version 2. Collection method: clinical testing. Allele origin: germline. Affected: yes. Observed: 2 variant alleles.
Comment: CASK: BP4, BP7